The following is an entry in ClinVar:

NM_001178015.2(SLC4A10):c.49-62158T>G

Gene: SLC4A10 (solute carrier family 4 member 10; plus strand). Cytogenetic location: 2q24.2.
Variant type: single nucleotide variant.
Coding change: c.49-62158T>G on transcript NM_001178015.2 (MANE Select); 62158 bases into the intron before coding-DNA position 49, T replaced by G.
Molecular consequence: intron variant. On other transcripts: missense variant (5), 5 prime UTR variant (2).
Genome position (GRCh38, 1-based): chr2:161,708,815, T>G. VCF-style: chr2-161708815-T-G. GRCh37 (hg19) VCF-style: chr2-162565325-T-G.
Other names: c.67T>G, p.Ser23Ala (NM_001178016.2, NM_001354441.2, NM_001354442.2 and 2 more transcripts); c.-65T>G (NM_001354447.2, NM_001354461.2); c.-50-1803T>G (NM_001354460.2, NM_001354443.2); c.-637-62158T>G (NM_001354455.2); c.49-62158T>G (NM_001354440.2, NM_022058.4, NM_001354450.2 and 5 more transcripts); short protein forms S23A.
Identifiers: ClinVar variation 3038020 (VCV003038020.2), dbSNP rs16846051, ClinGen allele CA1931074.

ClinVar aggregate classification (germline): Benign (0 of 4 stars; one submission).

Conditions:
SLC4A10-related disorder. Also called: SLC4A10-related condition.

Allele frequency attached by ClinVar (database versions not stated): gnomAD exomes 0.00178; ExAC 0.00239; gnomAD 0.01864; 1000 Genomes Project 0.01977; 1000 Genomes Project 30x 0.01999; TOPMed 0.02088.
gnomAD v4.1: 5,403 of 1,532,466 alleles (0.35%); highest among the groups gnomAD compares: African/African-American, 6.4%; 167 homozygotes.

Submission:

PreventionGenetics, part of Exact Sciences
Classification: Benign for SLC4A10-related condition. Last evaluated: 2019-02-21. Review status: no assertion criteria provided. Collection method: clinical testing. Allele origin: germline.
Comment: This variant is classified as benign based on ACMG/AMP sequence variant interpretation guidelines (Richards et al. 2015 PMID: 25741868, with internal and published modifications).